The following is an entry in ClinVar:

ClinVar aggregate classification (germline): Uncertain significance (1 of 4 stars; one submission).

Conditions:
Congenital myasthenic syndrome 2A. Also called: Myasthenic syndrome, congenital, 2a, slow-channel. Identifiers: Orphanet 590, MedGen C4225374, MONDO:0014581, OMIM 616313.

Submission:

3billion
Classification: Uncertain significance for Congenital myasthenic syndrome 2A. Last evaluated: 2025-11-25. Review status: criteria provided, single submitter. Criteria: ACMG Guidelines, 2015. Collection method: clinical testing. Allele origin: germline. Affected: yes.
Comment: The variant is not observed in the gnomAD v4.1.0 dataset. Predicted Consequence/Location: Missense variant. The majority of the known disease-causing variants of this gene are variants expected to result in premature termination of the protein. In silico tool predictions suggest damaging effect of the variant on gene or gene product [REVEL: 0.92 (>=0.6, sensitivity 0.68 and specificity 0.92)]. Therefore, this variant is classified as VUS according to the recommendation of ACMG/AMP guideline.

NM_000747.3(CHRNB1):c.785T>C (p.Leu262Pro)

Gene: CHRNB1 (cholinergic receptor nicotinic beta 1 subunit; plus strand). Cytogenetic location: 17p13.1.
Variant type: single nucleotide variant.
Coding change: c.785T>C on transcript NM_000747.3 (MANE Select); coding-DNA position 785, T replaced by C.
Protein change: p.Leu262Pro; replaces leucine 262 with proline.
Molecular consequence: missense variant.
Genome position (GRCh38, 1-based): chr17:7,448,753, T>C. VCF-style: chr17-7448753-T-C. GRCh37 (hg19) VCF-style: chr17-7352072-T-C.
Other names: short protein forms L262P.
Identifiers: ClinVar variation 4854687 (VCV004854687.1).